The following is an entry in ClinVar:

ClinVar aggregate classification (germline): Likely benign. Review status: criteria provided, multiple submitters, no conflicts (2 of 4 stars). 2 submissions from 2 submitters: Likely benign (2). Last evaluated 2026-04-27.

Conditions:
ADCY10-related disorder. Also called: ADCY10-related condition.

Allele frequency attached by ClinVar (database versions not stated): TOPMed 0.00006; gnomAD 0.00012; gnomAD exomes 0.00018; 1000 Genomes Project 30x 0.00031; ExAC 0.00035.
gnomAD v4.1: 287 of 1,614,230 alleles (0.018%); highest among the groups gnomAD compares: South Asian, 0.24%; 1 homozygote.

Submissions (2):

PreventionGenetics, part of Exact Sciences
Classification: Likely benign for ADCY10-related condition. Last evaluated: 2026-04-27. Review status: criteria provided, single submitter. Criteria: ACMG Guidelines, 2015. Collection method: clinical testing. Allele origin: germline.
Comment: This variant is classified as likely benign based on ACMG/AMP sequence variant interpretation guidelines (Richards et al. 2015 PMID: 25741868, with internal and published modifications).

Labcorp Genetics (formerly Invitae), Labcorp
Classification: Likely benign. Last evaluated: 2023-06-12. Review status: criteria provided, single submitter. Criteria: Invitae Variant Classification Sherloc (09022015). Collection method: clinical testing. Allele origin: germline.

NM_018417.6(ADCY10):c.3875T>C (p.Ile1292Thr)

Gene: ADCY10 (adenylate cyclase 10; minus strand). Cytogenetic location: 1q24.2.
Variant type: single nucleotide variant.
Coding change: c.3875T>C on transcript NM_018417.6 (MANE Select); coding-DNA position 3875, T replaced by C.
Protein change: p.Ile1292Thr; replaces isoleucine 1292 with threonine.
Molecular consequence: missense variant.
Genome position (GRCh38, 1-based): chr1:167,824,731, A>G on the plus strand (T>C on the coding strand, the complement: ADCY10 is on the minus strand). VCF-style: chr1-167824731-A-G. GRCh37 (hg19) VCF-style: chr1-167793969-A-G.
Other names: c.3416T>C, p.Ile1139Thr (NM_001167749.3); c.3599T>C, p.Ile1200Thr (NM_001297772.2); c.3875T>C (NM_018417.5); short protein forms I1139T, I1292T, I1200T.
Identifiers: ClinVar variation 2084813 (VCV002084813.5), dbSNP rs745426103, ClinGen allele CA1227219.